The following is an entry in ClinVar:

ClinVar aggregate classification (germline): Likely benign (1 of 4 stars; one submission).

gnomAD v4.1: 2 of 1,614,204 alleles (0.00012%); highest among the groups gnomAD compares: Non-Finnish European, 0.00017%; no homozygotes.

Submission:

CeGaT Center for Human Genetics Tuebingen
Classification: Likely benign. Last evaluated: 2022-08-01. Review status: criteria provided, single submitter. Criteria: CeGaT Center For Human Genetics Tuebingen Variant Classification Criteria Version 2. Collection method: clinical testing. Allele origin: germline. Affected: yes. Observed: 1 variant allele.
Comment: FANCA: BP4, BP7

NM_000135.4(FANCA):c.768T>A (p.Thr256=)

Gene: FANCA (FA complementation group A; minus strand). Cytogenetic location: 16q24.3.
Variant type: single nucleotide variant.
Coding change: c.768T>A on transcript NM_000135.4 (MANE Select); coding-DNA position 768, T replaced by A.
Protein change: p.Thr256=; no amino-acid change (threonine 256 retained).
Molecular consequence: synonymous variant.
Genome position (GRCh38, 1-based): chr16:89,803,283, A>T on the plus strand (T>A on the coding strand, the complement: FANCA is on the minus strand). VCF-style: chr16-89803283-A-T. GRCh37 (hg19) VCF-style: chr16-89869691-A-T.
Other names: c.768T>A, p.Thr256= (NM_001018112.3, NM_001286167.3); c.672T>A, p.Thr224= (NM_001351830.2).
Identifiers: ClinVar variation 2647139 (VCV002647139.24), dbSNP rs1459779461, ClinGen allele CA497195258.
Genomic context (GRCh38, chr16:89,803,283, plus strand): 5'-CTTCCGCTAAACTCTTCACTTGACTTTTCCTCCTACCTGCGGCATTTTTTCAGGCTCCAC[A>T]GTTCTTCTCAGATCTGAGTTTTTCTGAAATCCCCTCAAAACAAACATTTGAACAAAATCT-3'
Protein context (NP_000126.2, residues 246-266): GFQKNSDLRR[Thr256=]VEPEKMPQVT